The following is an entry in ClinVar:

ClinVar aggregate classification (germline): Conflicting classifications of pathogenicity. Review status: criteria provided, conflicting classifications (1 of 4 stars). 2 submissions from 2 submitters: Uncertain significance (1); Likely benign (1). Last evaluated 2025-04-18.

Conditions:
Intellectual developmental disorder, X-linked 104. Also called: Intellectual disability, X-linked 104. Identifiers: MedGen C4310817, MONDO:0010509, OMIM 300983.
FRMPD4-related disorder. Also called: FRMPD4-related condition.

Allele frequency attached by ClinVar (database versions not stated): TOPMed below 0.00001; gnomAD exomes 0.00002.
gnomAD v4.1: 17 of 1,211,738 alleles (0.0014%); highest among the groups gnomAD compares: Non-Finnish European, 0.0018%; no homozygotes.

Submissions (2):

PreventionGenetics, part of Exact Sciences
Classification: Likely benign for FRMPD4-related condition. Last evaluated: 2025-04-18. Review status: criteria provided, single submitter. Criteria: ACMG Guidelines, 2015. Collection method: clinical testing. Allele origin: germline.
Comment: This variant is classified as likely benign based on ACMG/AMP sequence variant interpretation guidelines (Richards et al. 2015 PMID: 25741868, with internal and published modifications).

Baylor Genetics
Classification: Uncertain significance for Intellectual developmental disorder, X-linked 104. Last evaluated: 2018-03-11. Review status: criteria provided, single submitter. Criteria: ACMG Guidelines, 2015. Collection method: clinical testing. Allele origin: maternal. Affected: yes.
Comment: This variant was determined to be of uncertain significance according to ACMG Guidelines, 2015 [PMID:25741868].

NM_001368397.1(FRMPD4):c.3312A>G (p.Lys1104=)

Gene: FRMPD4 (FERM and PDZ domain containing 4; plus strand). Cytogenetic location: Xp22.2.
Variant type: single nucleotide variant.
Coding change: c.3312A>G on transcript NM_001368397.1 (MANE Select); coding-DNA position 3312, A replaced by G.
Protein change: p.Lys1104=; no amino-acid change (lysine 1104 retained).
Molecular consequence: synonymous variant.
Genome position (GRCh38, 1-based): chrX:12,718,138, A>G. VCF-style: chrX-12718138-A-G. GRCh37 (hg19) VCF-style: chrX-12736257-A-G.
Other names: c.3423A>G, p.Lys1141= (NM_001368395.3, NM_001368398.3); c.3318A>G, p.Lys1106= (NM_001368396.3); c.3303A>G, p.Lys1101= (NM_001368399.3); c.3192A>G, p.Lys1064= (NM_001368400.3); c.3288A>G, p.Lys1096= (NM_001368401.1, NM_001368402.3); c.3312A>G, p.Lys1104= (NM_014728.3).
Identifiers: ClinVar variation 1032635 (VCV001032635.2), dbSNP rs2042136593, ClinGen allele CA515623123.